The following is an entry in ClinVar:

ClinVar aggregate classification (germline): Uncertain significance (1 of 4 stars; one submission).

Submission:

Labcorp Genetics (formerly Invitae), Labcorp
Classification: Uncertain significance. Last evaluated: 2025-09-28. Review status: criteria provided, single submitter. Criteria: Invitae Variant Classification Sherloc (09022015). Collection method: clinical testing. Allele origin: germline.
Comment: This variant, c.5049_5054del, results in the deletion of 2 amino acid(s) of the KAT6A protein (p.Pro1687_Gln1688del), but otherwise preserves the integrity of the reading frame. This variant is not present in population databases (gnomAD no frequency). This variant has not been reported in the literature in individuals affected with KAT6A-related conditions. Experimental studies and prediction algorithms are not available or were not evaluated, and the functional significance of this variant is currently unknown. In summary, the available evidence is currently insufficient to determine the role of this variant in disease. Therefore, it has been classified as a Variant of Uncertain Significance.

NM_006766.5(KAT6A):c.5043GCAGCC[1] (p.1683PQ[2])

Gene: KAT6A (lysine acetyltransferase 6A; minus strand). Cytogenetic location: 8p11.21.
Variant type: Microsatellite.
Coding change: c.5043GCAGCC[1] on transcript NM_006766.5 (MANE Select); one copy of the 6-base unit GCAGCC starting at c.5043; the reference has two copies in a row; one copy, 6 bases deleted.
Protein change: p.1683PQ[2].
Genome position (GRCh38, 1-based): chr8:41,933,166-41,933,171, GGCTGC deleted on the plus strand (GCAGCC on the coding strand, the reverse complement: KAT6A is on the minus strand); deleting any 6 consecutive bases within chr8:41,933,166-41,933,177 gives the same sequence; the position shown is the placement nearest the transcript's 3' end. VCF-style (leftmost placement, unchanged base first): chr8-41933165-AGGCTGC-A. GRCh37 (hg19) VCF-style: chr8-41790683-AGGCTGC-A.
Identifiers: ClinVar variation 4763410 (VCV004763410.1).